The following is an entry in ClinVar:

ClinVar aggregate classification (germline): Uncertain significance. Review status: criteria provided, multiple submitters, no conflicts (2 of 4 stars). 2 submissions from 2 submitters: Uncertain significance (2). Last evaluated 2022-06-17.

Conditions:
Inborn genetic diseases. Identifiers: MedGen C0950123, MeSH D030342.

Allele frequency attached by ClinVar (database versions not stated): ExAC 0.00001; gnomAD 0.00001; gnomAD exomes 0.00002; TOPMed 0.00006.
gnomAD v4.1: 34 of 1,612,484 alleles (0.0021%); highest among the groups gnomAD compares: South Asian, 0.0055%; no homozygotes.

Submissions (2):

Ambry Genetics
Classification: Uncertain significance for Inborn genetic diseases. Last evaluated: 2022-06-17. Review status: criteria provided, single submitter. Criteria: Ambry Variant Classification Scheme 2023. Collection method: clinical testing. Allele origin: germline.

Labcorp Genetics (formerly Invitae), Labcorp
Classification: Uncertain significance. Last evaluated: 2021-08-27. Review status: criteria provided, single submitter. Criteria: Invitae Variant Classification Sherloc (09022015). Collection method: clinical testing. Allele origin: germline.
Comment: This sequence change replaces arginine with tryptophan at codon 1172 of the PTPN23 protein (p.Arg1172Trp). The arginine residue is weakly conserved and there is a moderate physicochemical difference between arginine and tryptophan. This variant is present in population databases (rs772953426, ExAC 0.01%). This variant has not been reported in the literature in individuals affected with PTPN23-related conditions. Algorithms developed to predict the effect of missense changes on protein structure and function are either unavailable or do not agree on the potential impact of this missense change (SIFT: "Deleterious"; PolyPhen-2: "Probably Damaging"; Align-GVGD: "Class C0"). In summary, the available evidence is currently insufficient to determine the role of this variant in disease. Therefore, it has been classified as a Variant of Uncertain Significance.

NM_015466.4(PTPN23):c.3514C>T (p.Arg1172Trp)

Gene: PTPN23 (protein tyrosine phosphatase non-receptor type 23; plus strand). Cytogenetic location: 3p21.31.
Variant type: single nucleotide variant.
Coding change: c.3514C>T on transcript NM_015466.4 (MANE Select); coding-DNA position 3514, C replaced by T.
Protein change: p.Arg1172Trp; replaces arginine 1172 with tryptophan.
Molecular consequence: missense variant.
Genome position (GRCh38, 1-based): chr3:47,411,312, C>T. VCF-style: chr3-47411312-C-T. GRCh37 (hg19) VCF-style: chr3-47452802-C-T.
Other names: c.3136C>T, p.Arg1046Trp (NM_001304482.2); c.3514C>T (NM_015466.2); short protein forms R1046W, R1172W.
Identifiers: ClinVar variation 1398908 (VCV001398908.6), dbSNP rs772953426, ClinGen allele CA2366296.